The following is an entry in ClinVar:

NM_000257.4(MYH7):c.269T>G (p.Met90Arg)

Gene: MYH7 (myosin heavy chain 7; minus strand). Cytogenetic location: 14q11.2.
Variant type: single nucleotide variant.
Coding change: c.269T>G on transcript NM_000257.4 (MANE Select); coding-DNA position 269, T replaced by G.
Protein change: p.Met90Arg; replaces methionine 90 with arginine.
Molecular consequence: missense variant.
Genome position (GRCh38, 1-based): chr14:23,433,160, A>C on the plus strand (T>G on the coding strand, the complement: MYH7 is on the minus strand). VCF-style: chr14-23433160-A-C. GRCh37 (hg19) VCF-style: chr14-23902369-A-C.
Other names: short protein forms M90R.
Identifiers: ClinVar variation 842125 (VCV000842125.9), dbSNP rs1893017457, ClinGen allele CA389053285.

ClinVar aggregate classification (germline): Uncertain significance (1 of 4 stars; one submission).

Conditions:
Hypertrophic cardiomyopathy. Also called: HYPERTROPHIC MYOCARDIOPATHY. Identifiers: Orphanet 217569, MedGen C0007194, MeSH D002312, MONDO:0005045, HP:0001639.

Submission:

Labcorp Genetics (formerly Invitae), Labcorp
Classification: Uncertain significance for Hypertrophic cardiomyopathy. Last evaluated: 2019-02-19. Review status: criteria provided, single submitter. Criteria: Invitae Variant Classification Sherloc (09022015). Collection method: clinical testing. Allele origin: germline.
Comment: This sequence change replaces methionine with arginine at codon 90 of the MYH7 protein (p.Met90Arg). The methionine residue is highly conserved and there is a moderate physicochemical difference between methionine and arginine. This variant is not present in population databases (ExAC no frequency). This variant has not been reported in the literature in individuals with MYH7-related conditions. Algorithms developed to predict the effect of missense changes on protein structure and function are either unavailable or do not agree on the potential impact of this missense change (SIFT: "Deleterious"; PolyPhen-2: "Probably Damaging"; Align-GVGD: "Class C0"). In summary, the available evidence is currently insufficient to determine the role of this variant in disease. Therefore, it has been classified as a Variant of Uncertain Significance.